The following is an entry in ClinVar:

ClinVar aggregate classification (germline): Uncertain significance (1 of 4 stars; one submission).

Submission:

Labcorp Genetics (formerly Invitae), Labcorp
Classification: Uncertain significance. Last evaluated: 2025-03-21. Review status: criteria provided, single submitter. Criteria: Invitae Variant Classification Sherloc (09022015). Collection method: clinical testing. Allele origin: germline.
Comment: This sequence change replaces aspartic acid, which is acidic and polar, with glutamic acid, which is acidic and polar, at codon 116 of the TRIM28 protein (p.Asp116Glu). This variant is not present in population databases (gnomAD no frequency). This variant has not been reported in the literature in individuals affected with TRIM28-related conditions. Experimental studies and prediction algorithms are not available or were not evaluated, and the functional significance of this variant is currently unknown. In summary, the available evidence is currently insufficient to determine the role of this variant in disease. Therefore, it has been classified as a Variant of Uncertain Significance.

NM_005762.3(TRIM28):c.348C>G (p.Asp116Glu)

Gene: TRIM28 (tripartite motif containing 28; plus strand). Cytogenetic location: 19q13.43.
Variant type: single nucleotide variant.
Coding change: c.348C>G on transcript NM_005762.3 (MANE Select); coding-DNA position 348, C replaced by G.
Protein change: p.Asp116Glu; replaces aspartic acid 116 with glutamic acid.
Molecular consequence: missense variant.
Genome position (GRCh38, 1-based): chr19:58,545,432, C>G. VCF-style: chr19-58545432-C-G. GRCh37 (hg19) VCF-style: chr19-59056799-C-G.
Other names: short protein forms D116E.
Identifiers: ClinVar variation 3650176 (VCV003650176.2).
Genomic context (GRCh38, chr19:58,545,432, plus strand): 5'-CCATAACCTGGGTGGGAACTTGTAACAGTCTCCCACATCCCTGCTTCTCGAAGTGGTGGA[C>G]TGTCCCGTGTGCAAGCAACAGTGCTTCTCCAAAGACATCGTGGAGAATTATTTCATGCGT-3'
Protein context (NP_005753.1, residues 106-126): GGAAGDGTVV[Asp116Glu]CPVCKQQCFS